The following is an entry in ClinVar:

NM_005198.5(CHKB):c.476G>A (p.Arg159Gln)

Genes: CHKB-CPT1B (CHKB-CPT1B readthrough (NMD candidate); minus strand), CHKB (choline kinase beta; minus strand). Cytogenetic location: 22q13.33.
Variant type: single nucleotide variant.
Coding change: c.476G>A on transcript NM_005198.5 (MANE Select); coding-DNA position 476, G replaced by A.
Protein change: p.Arg159Gln; replaces arginine 159 with glutamine.
Molecular consequence: missense variant. On other transcripts: non-coding transcript variant (1).
Genome position (GRCh38, 1-based): chr22:50,581,525, C>T on the plus strand (G>A on the coding strand, the complement: CHKB is on the minus strand). VCF-style: chr22-50581525-C-T. GRCh37 (hg19) VCF-style: chr22-51019954-C-T.
Other names: short protein forms R159Q.
Identifiers: ClinVar variation 432795 (VCV000432795.8), dbSNP rs760539135, ClinGen allele CA10323762.
Genomic context (GRCh38, chr22:50,581,525, plus strand): 5'-ATCTCCATGCCATGAAATTGCGCCATCTTCGTGGCAATGGCTGCTGACAACACTGGCTCT[C>T]GAAGCTCTTGAGTTTTCAATGGCCGACTCTGCACCCAGGAAGCTATCAGGGTGGTGATGG-3'
Protein context (NP_005189.2, residues 149-169): PSRPLKTQEL[Arg159Gln]EPVLSAAIAT

ClinVar aggregate classification (germline): Uncertain significance. Review status: criteria provided, multiple submitters, no conflicts (2 of 4 stars). 2 submissions from 2 submitters: Uncertain significance (2). Last evaluated 2022-06-27.

Conditions:
Megaconial type congenital muscular dystrophy (MDCMC). Also called: CHKB-Related Muscular Dystrophy; CHKB-Related Muscle Diseases; MUSCULAR DYSTROPHY, CONGENITAL, WITH MITOCHONDRIAL STRUCTURAL ABNORMALITIES. Identifiers: Orphanet 280671, MedGen C1865233, MONDO:0011246, OMIM 602541.

Allele frequency attached by ClinVar (database versions not stated): TOPMed 0.00002; ExAC 0.00006; gnomAD 0.00006; gnomAD exomes 0.00006 and 0.00011.
gnomAD v4.1: 90 of 1,613,744 alleles (0.0056%); highest among the groups gnomAD compares: South Asian, 0.045%; no homozygotes.

Submissions (2):

Labcorp Genetics (formerly Invitae), Labcorp
Classification: Uncertain significance for Megaconial type congenital muscular dystrophy. Last evaluated: 2022-06-27. Review status: criteria provided, single submitter. Criteria: Invitae Variant Classification Sherloc (09022015). Collection method: clinical testing. Allele origin: germline.
Comment: This sequence change replaces arginine, which is basic and polar, with glutamine, which is neutral and polar, at codon 159 of the CHKB protein (p.Arg159Gln). This variant is present in population databases (rs760539135, gnomAD 0.07%). This variant has not been reported in the literature in individuals affected with CHKB-related conditions. ClinVar contains an entry for this variant (Variation ID: 432795). Algorithms developed to predict the effect of missense changes on protein structure and function output the following: SIFT: "Tolerated"; PolyPhen-2: "Benign"; Align-GVGD: "Class C0". The glutamine amino acid residue is found in multiple mammalian species, which suggests that this missense change does not adversely affect protein function. In summary, the available evidence is currently insufficient to determine the role of this variant in disease. Therefore, it has been classified as a Variant of Uncertain Significance.

GeneDx
Classification: Uncertain significance. Last evaluated: 2017-06-28. Review status: criteria provided, single submitter. Criteria: GeneDx Variant Classification (06012015). Collection method: clinical testing. Allele origin: germline. Affected: yes.
Comment: A variant of uncertain significance has been identified in the CHKB gene. The R159Q variant has not been published as a pathogenic variant, nor has it been reported as a benign variant to our knowledge. The R159Q variant is observed in 2/6596 (0.03%) alleles from individuals of European background, in the ExAC dataset (Lek et al., 2016; 1000 Genomes Consortium et al., 2015; Exome Variant Server). The R159Q variant is a semi-conservative amino acid substitution, which may impact secondary protein structure as these residues differ in some properties. However, this substitution occurs at a position that is not conserved. In silico analysis is inconsistent in its predictions as to whether or not the variant is damaging to the protein structure/function. Therefore, based on the currently available information, it is unclear whether this variant is a pathogenic variant or a rare benign variant.